The following is an entry in ClinVar:

NM_000478.6(ALPL):c.337ACCGCC[3] (p.113TA[3])

Gene: ALPL (alkaline phosphatase, biomineralization associated; plus strand). Cytogenetic location: 1p36.12.
Variant type: Microsatellite.
Coding change: c.337ACCGCC[3] on transcript NM_000478.6 (MANE Select); three copies in a row of the 6-base unit ACCGCC starting at c.337; the reference has two copies in a row; one copy, 6 bases duplicated; also written c.343_348dup.
Protein change: p.113TA[3].
Molecular consequence: inframe insertion.
Genome position (GRCh38, 1-based): chr1:21,563,155-21,563,160, ACCGCC duplicated; duplicating any 6 consecutive bases within chr1:21,563,148-21,563,160 gives the same sequence; the position shown is the placement nearest the transcript's 3' end. VCF-style (leftmost placement, unchanged base first): chr1-21563147-G-GCACCGC. GRCh37 (hg19) VCF-style: chr1-21889640-G-GCACCGC.
Other names: c.343_348dup (NM_000478.6); c.106ACCGCC[3], p.36TA[3] (NM_001177520.3); c.337ACCGCC[3], p.113TA[3] (NM_001369803.2, NM_001369804.2, NM_001369805.2); c.172ACCGCC[3], p.58TA[3] (NM_001127501.4).
Identifiers: ClinVar variation 1323882 (VCV001323882.10), dbSNP rs2148158314, ClinGen allele CA2580611134.

ClinVar aggregate classification (germline): Conflicting classifications of pathogenicity. Review status: criteria provided, conflicting classifications (1 of 4 stars). 5 submissions from 5 submitters: Likely pathogenic (3); Uncertain significance (2). Last evaluated 2026-05-22.

Conditions:
Hypophosphatasia. Also called: Phosphoethanol-aminuria. Identifiers: Orphanet 436, MedGen C0020630, MeSH D007014, MONDO:0018570.
Adult hypophosphatasia. Identifiers: Orphanet 247676, Orphanet 436, MedGen C0268413, MONDO:1010154, OMIM 146300, MONDO:0007798.

Submissions (5):

Myriad Genetics, Inc.
Classification: Uncertain significance for Hypophosphatasia. Last evaluated: 2026-05-22. Review status: criteria provided, single submitter. Criteria: Myriad Autosomal Dominant, Autosomal Recessive and X-Linked Classification Criteria (2023). Collection method: clinical testing. Allele origin: unknown.
Comment: NM_000478.4(ALPL):c.343_348dup6(T115_A116dup) is an in-frame insertion classified as a variant of uncertain significance in the context of hypophosphatasia. T115_A116dup has been observed in cases with relevant disease (PMID: 32973344, 38884565, 35241128, 28127875, 39506814). Relevant functional assessments of this variant are not available in the literature. T115_A116dup has not been observed in referenced population frequency databases. In summary, there is insufficient evidence to classify NM_000478.4(ALPL):c.343_348dup6(T115_A116dup) as pathogenic or benign. Please note: this variant was assessed in the context of healthy population screening.

Genomenon, Inc
Classification: Likely pathogenic for Hypophosphatasia. Last evaluated: 2025-08-29. Review status: criteria provided, single submitter. Criteria: Genomenon Sequence Variant Interpretation Standards. Collection method: curation. Allele origin: germline. Affected: yes.
Comment: ALPL c.343_348dup is an in-frame duplication variant that results in the duplication of multiple amino acids, from Threonine at position 115 to Alanine at position 116. This variant has been observed in at least one proband affected with hypophosphatasia (PMID:35241128;38884565;39506814). It is absent or not present at a significant frequency in gnomAD. In conclusion, we classify ALPL p.Thr115_Ala116dup (c.343_348dup) as a likely pathogenic variant.

Labcorp Genetics (formerly Invitae), Labcorp
Classification: Uncertain significance. Last evaluated: 2025-08-18. Review status: criteria provided, single submitter. Criteria: Invitae Variant Classification Sherloc (09022015). Collection method: clinical testing. Allele origin: germline.
Comment: This variant, c.343_348dup, results in the insertion of 2 amino acid(s) of the ALPL protein (p.Thr115_Ala116dup), but otherwise preserves the integrity of the reading frame. This variant is not present in population databases (gnomAD no frequency). This variant has been observed in individual(s) with hypophosphatasia (PMID: 28127875). Experimental studies and prediction algorithms are not available or were not evaluated, and the functional significance of this variant is currently unknown. In summary, the available evidence is currently insufficient to determine the role of this variant in disease. Therefore, it has been classified as a Variant of Uncertain Significance.

Baylor Genetics
Classification: Likely pathogenic for Adult hypophosphatasia. Last evaluated: 2023-08-01. Review status: criteria provided, single submitter. Criteria: ACMG Guidelines, 2015. Collection method: clinical testing. Allele origin: unknown.

Revvity Omics, Revvity
Classification: Likely pathogenic. Last evaluated: 2021-09-15. Review status: criteria provided, single submitter. Criteria: ACMG Guidelines, 2015. Collection method: clinical testing. Allele origin: germline.

Literature cited by the submitters: PubMed 28127875 (cited by Myriad Genetics, Inc. and Labcorp Genetics (formerly Invitae), Labcorp); PubMed 32973344 (cited by Myriad Genetics, Inc.); PubMed 35241128 (cited by Myriad Genetics, Inc. and Genomenon, Inc); PubMed 38884565 (cited by Myriad Genetics, Inc. and Genomenon, Inc); PubMed 39506814 (cited by Myriad Genetics, Inc. and Genomenon, Inc).